The following is an entry in ClinVar:

ClinVar aggregate classification (germline): Uncertain significance (1 of 4 stars; one submission).

Conditions:
Rhabdoid tumor predisposition syndrome 2 (RTPS2). Identifiers: Orphanet 231108, Orphanet 69077, MedGen C2750074, MONDO:0013224, OMIM 613325.

Submission:

Labcorp Genetics (formerly Invitae), Labcorp
Classification: Uncertain significance for Rhabdoid tumor predisposition syndrome 2. Last evaluated: 2022-02-20. Review status: criteria provided, single submitter. Criteria: Invitae Variant Classification Sherloc (09022015). Collection method: clinical testing. Allele origin: germline.
Comment: In summary, the available evidence is currently insufficient to determine the role of this variant in disease. Therefore, it has been classified as a Variant of Uncertain Significance. Algorithms developed to predict the effect of missense changes on protein structure and function are either unavailable or do not agree on the potential impact of this missense change (SIFT: "Deleterious"; PolyPhen-2: "Benign"; Align-GVGD: "Class C0"). This variant has not been reported in the literature in individuals affected with SMARCA4-related conditions. This variant is not present in population databases (gnomAD no frequency). This sequence change replaces methionine, which is neutral and non-polar, with leucine, which is neutral and non-polar, at codon 106 of the SMARCA4 protein (p.Met106Leu).

NM_003072.5(SMARCA4):c.316A>T (p.Met106Leu)

Gene: SMARCA4 (SWI/SNF related BAF chromatin remodeling complex subunit ATPase 4; plus strand). Cytogenetic location: 19p13.2.
Variant type: single nucleotide variant.
Coding change: c.316A>T on transcript NM_003072.5 (MANE Select); coding-DNA position 316, A replaced by T.
Protein change: p.Met106Leu; replaces methionine 106 with leucine.
Molecular consequence: missense variant. On other transcripts: non-coding transcript variant (1).
Genome position (GRCh38, 1-based): chr19:10,985,366, A>T. VCF-style: chr19-10985366-A-T. GRCh37 (hg19) VCF-style: chr19-11096042-A-T.
Other names: c.316A>T, p.Met106Leu (NM_001128844.3, NM_001128845.2, NM_001128846.2 and 6 more transcripts); short protein forms M106L.
Identifiers: ClinVar variation 2100374 (VCV002100374.4), dbSNP rs773526113, ClinGen allele CA404055277.